The following is an entry in ClinVar:

NM_000212.3(ITGB3):c.1986dup (p.Asp663Ter)

Gene: ITGB3 (integrin subunit beta 3; plus strand). Cytogenetic location: 17q21.32.
Variant type: Duplication.
Coding change: c.1986dup on transcript NM_000212.3 (MANE Select); coding-DNA position 1986, one base duplicated (T; older notation c.1986dupT).
Protein change: p.Asp663Ter; replaces aspartic acid 663 with a stop codon.
Molecular consequence: nonsense.
Genome position (GRCh38, 1-based): chr17:47,300,550, T duplicated. VCF-style (leftmost placement, unchanged base first): chr17-47300549-G-GT. GRCh37 (hg19) VCF-style: chr17-45377915-G-GT.
Other names: NM_000212.3(ITGB3):c.1986dup; p.Asp663Ter; short protein forms D663*.
Identifiers: ClinVar variation 1684418 (VCV001684418.2), dbSNP rs2143133343, ClinGen allele CA915940608.

ClinVar aggregate classification (germline): Pathogenic. Review status: reviewed by expert panel (3 of 4 stars). 2 submissions from 2 submitters: Pathogenic (1). 1 of the submissions does not count toward it. Last evaluated 2022-12-01.

Conditions:
Glanzmann thrombasthenia. Also called: PLATELET GLYCOPROTEIN IIb-IIIa DEFICIENCY; THROMBASTHENIA OF GLANZMANN AND NAEGELI; Glanzmann's thrombasthenia; Thrombasthenia. Identifiers: Orphanet 849, MedGen C0040015, MONDO:0100326.
Glanzmann thrombasthenia 1 (GT1). Also called: BLEEDING DISORDER, PLATELET-TYPE, 2; GP IIb-IIIa COMPLEX DEFICIENCY; GLYCOPROTEIN COMPLEX IIb-IIIa DEFICIENCY; PLATELET FIBRINOGEN RECEPTOR DEFICIENCY. Identifiers: MedGen CN300358, MONDO:0031332, OMIM 273800.

Submissions (2):

ClinGen Platelet Disorders Variant Curation Expert Panel, ClinGen
Classification: Pathogenic for Glanzmann thrombasthenia. Last evaluated: 2022-12-01. Review status: reviewed by expert panel. Criteria: ClinGen Platelet ACMG Specifications v2-1. Collection method: curation. Allele origin: germline. Inheritance: Autosomal recessive inheritance.
Comment: NM_000212.3(ITGB3):c.1986dup (p.Asp663Ter) found in a homozygous proband (PMID: 29084015; PM3_supporting) causes a premature stop codon at exon 12 and is predicted to undergo nonsense mediated decay (PVS1). The affected individual displayed abnormal bleeding and an impaired response to agonists, with a normal response to ristocetin, which is characteristic of GT. Additionally, αIIbβ3 surface expression was absent (<25%), as measured by flow cytometry (PP4_strong). The variant was not found in gnomAD v2.1.1 (PM2_supporting). In summary the criteria PSV1, PP4_strong, PM2_supporting, and PM3_supporting, were applied to reach a classification of pathogenic.

ISTH-SSC Genomics in Thrombosis and Hemostasis, KU Leuven, Center for Molecular and Vascular Biology
Classification: Likely pathogenic for Glanzmann thrombasthenia 1. Review status: no assertion criteria provided. Collection method: research. Allele origin: germline. Affected: yes. Not counted in ClinVar's aggregate classification.
Comment: Submitted to GoldVariant by Harald Schulze from Institute of Experimental Biomedicine, University Hospital of Würzburg, Würzburg, Germany